The following is an entry in ClinVar:

NM_014874.4(MFN2):c.-80C>T

Gene: MFN2 (mitofusin 2; plus strand). Cytogenetic location: 1p36.22.
Variant type: single nucleotide variant.
Coding change: c.-80C>T on transcript NM_014874.4 (MANE Select); 80 bases upstream of the start codon, C replaced by T.
Molecular consequence: 5 prime UTR variant. On other transcripts: intron variant (1).
Genome position (GRCh38, 1-based): chr1:11,982,039, C>T. VCF-style: chr1-11982039-C-T. GRCh37 (hg19) VCF-style: chr1-12042096-C-T.
Other names: c.-5+1555C>T (NM_001127660.2).
Identifiers: ClinVar variation 875596 (VCV000875596.4), dbSNP rs7538183, ClinGen allele CA18029001.

ClinVar aggregate classification (germline): Benign. Review status: criteria provided, single submitter (1 of 4 stars). 2 submissions from 1 submitter: Benign (2). Last evaluated 2018-01-13.

Conditions:
Charcot-Marie-Tooth disease type 2. Also called: Charcot-Marie-Tooth type 2. Identifiers: Orphanet 64746, MedGen C0270914, MONDO:0018993.
Hereditary motor and sensory neuropathy with optic atrophy. Also called: PERIPHERAL NEUROPATHY AND OPTIC ATROPHY; CHARCOT-MARIE-TOOTH DISEASE, TYPE 6. Identifiers: Orphanet 90120, MedGen C0393807, MONDO:0019551.

Allele frequency attached by ClinVar (database versions not stated): TOPMed 0.01222; 1000 Genomes Project 0.01058; 1000 Genomes Project 30x 0.01109.

Submissions (2):

Illumina Laboratory Services, Illumina
Classification: Benign for Neuropathy, hereditary motor and sensory, type 6A. Last evaluated: 2018-01-13. Review status: criteria provided, single submitter. Criteria: ICSL Variant Classification Criteria 13 December 2019. Collection method: clinical testing. Allele origin: germline.
Comment: This variant was observed in the ICSL laboratory as part of a predisposition screen in an ostensibly healthy population. It had not been previously curated by ICSL or reported in the Human Gene Mutation Database (HGMD: prior to June 1st, 2018), and was therefore a candidate for classification through an automated scoring system. Utilizing variant allele frequency, disease prevalence and penetrance estimates, and inheritance mode, an automated score was calculated to assess if this variant is too frequent to cause the disease. Based on the score and internal cut-off values, a variant classified as benign is not then subjected to further curation. The score for this variant resulted in a classification of benign for this disease.

Illumina Laboratory Services, Illumina
Classification: Benign for Charcot-Marie-Tooth disease, type 2. Last evaluated: 2018-01-13. Review status: criteria provided, single submitter. Criteria: ICSL Variant Classification Criteria 13 December 2019. Collection method: clinical testing. Allele origin: germline.
Comment: the same text as in the submission from Illumina Laboratory Services, Illumina above.